The following is an entry in ClinVar:

NM_003114.5(SPAG1):c.1350C>G (p.Ser450Arg)

Genes: SPAG1 (sperm associated antigen 1; plus strand), LOC130000832 (ATAC-STARR-seq lymphoblastoid silent region 19412; plus strand). Cytogenetic location: 8q22.2.
Variant type: single nucleotide variant.
Coding change: c.1350C>G on transcript NM_003114.5 (MANE Select); coding-DNA position 1350, C replaced by G.
Protein change: p.Ser450Arg; replaces serine 450 with arginine.
Molecular consequence: missense variant.
Genome position (GRCh38, 1-based): chr8:100,213,343, C>G. VCF-style: chr8-100213343-C-G. GRCh37 (hg19) VCF-style: chr8-101225571-C-G.
Other names: c.1350C>G, p.Ser450Arg (NM_001374321.1, NM_172218.3); c.1350C>G (NM_172218.2); short protein forms S450R.
Identifiers: ClinVar variation 2912354 (VCV002912354.3), dbSNP rs1457607407, ClinGen allele CA371809450.

ClinVar aggregate classification (germline): Uncertain significance. Review status: criteria provided, multiple submitters, no conflicts (2 of 4 stars). 2 submissions from 2 submitters: Uncertain significance (2). Last evaluated 2025-11-24.

Conditions:
Primary ciliary dyskinesia 28. Also called: CILIARY DYSKINESIA, PRIMARY, 28, WITH OR WITHOUT SITUS INVERSUS. Identifiers: Orphanet 244, MedGen C3809706, MONDO:0014216, OMIM 615505.
Primary ciliary dyskinesia. Also called: Ciliary dyskinesia. Identifiers: Orphanet 244, MedGen C0008780, MONDO:0016575, HP:0012265.

gnomAD v4.1: 5 of 1,375,814 alleles (0.00036%); highest among the groups gnomAD compares: Non-Finnish European, 0.00047%; no homozygotes.

Submissions (2):

Ambry Genetics
Classification: Uncertain significance for Primary ciliary dyskinesia. Last evaluated: 2025-11-24. Review status: criteria provided, single submitter. Criteria: Ambry Variant Classification Scheme 2023. Collection method: clinical testing. Allele origin: germline.

Labcorp Genetics (formerly Invitae), Labcorp
Classification: Uncertain significance for Primary ciliary dyskinesia 28. Last evaluated: 2022-12-11. Review status: criteria provided, single submitter. Criteria: Invitae Variant Classification Sherloc (09022015). Collection method: clinical testing. Allele origin: germline.
Comment: In summary, the available evidence is currently insufficient to determine the role of this variant in disease. Therefore, it has been classified as a Variant of Uncertain Significance. Advanced modeling of protein sequence and biophysical properties (such as structural, functional, and spatial information, amino acid conservation, physicochemical variation, residue mobility, and thermodynamic stability) performed at Invitae indicates that this missense variant is not expected to disrupt SPAG1 protein function. This variant has not been reported in the literature in individuals affected with SPAG1-related conditions. This variant is not present in population databases (gnomAD no frequency). This sequence change replaces serine, which is neutral and polar, with arginine, which is basic and polar, at codon 450 of the SPAG1 protein (p.Ser450Arg).